The following is an entry in ClinVar:

ClinVar aggregate classification (germline): Uncertain significance. Review status: criteria provided, multiple submitters, no conflicts (2 of 4 stars). 2 submissions from 2 submitters: Uncertain significance (2). Last evaluated 2024-02-05.

Conditions:
Inborn genetic diseases. Identifiers: MedGen C0950123, MeSH D030342.
Charcot-Marie-Tooth disease axonal type 2F (CMT2F). Also called: CHARCOT-MARIE-TOOTH DISEASE, NEURONAL, TYPE 2F; Charcot-Marie-Tooth Neuropathy Type 2F. Identifiers: Orphanet 99940, MedGen C1847823, MONDO:0011687, OMIM 606595.

Allele frequency attached by ClinVar (database versions not stated): gnomAD exomes below 0.00001.
gnomAD v4.1: 6 of 1,601,660 alleles (0.00037%); highest among the groups gnomAD compares: African/African-American, 0.0053%; no homozygotes.

Submissions (2):

Labcorp Genetics (formerly Invitae), Labcorp
Classification: Uncertain significance for Charcot-Marie-Tooth disease axonal type 2F. Last evaluated: 2024-02-05. Review status: criteria provided, single submitter. Criteria: Invitae Variant Classification Sherloc (09022015). Collection method: clinical testing. Allele origin: germline.
Comment: This sequence change replaces serine, which is neutral and polar, with tryptophan, which is neutral and slightly polar, at codon 43 of the HSPB1 protein (p.Ser43Trp). The frequency data for this variant in the population databases is considered unreliable, as metrics indicate poor data quality at this position in the gnomAD database. This missense change has been observed in individual(s) with HSPB1-related conditions (Invitae). This missense change has been observed in at least one individual who was not affected with HSPB1-related conditions (Invitae). ClinVar contains an entry for this variant (Variation ID: 1507511). Advanced modeling of protein sequence and biophysical properties (such as structural, functional, and spatial information, amino acid conservation, physicochemical variation, residue mobility, and thermodynamic stability) has been performed at Invitae for this missense variant, however the output from this modeling did not meet the statistical confidence thresholds required to predict the impact of this variant on HSPB1 protein function. In summary, the available evidence is currently insufficient to determine the role of this variant in disease. Therefore, it has been classified as a Variant of Uncertain Significance.

Ambry Genetics
Classification: Uncertain significance for Inborn genetic diseases. Last evaluated: 2023-11-06. Review status: criteria provided, single submitter. Criteria: Ambry Variant Classification Scheme 2023. Collection method: clinical testing. Allele origin: germline.

NM_001540.5(HSPB1):c.128C>G (p.Ser43Trp)

Gene: HSPB1 (heat shock protein family B (small) member 1; plus strand). Cytogenetic location: 7q11.23.
Variant type: single nucleotide variant.
Coding change: c.128C>G on transcript NM_001540.5 (MANE Select); coding-DNA position 128, C replaced by G.
Protein change: p.Ser43Trp; replaces serine 43 with tryptophan.
Molecular consequence: missense variant.
Genome position (GRCh38, 1-based): chr7:76,302,840, C>G. VCF-style: chr7-76302840-C-G. GRCh37 (hg19) VCF-style: chr7-75932157-C-G.
Other names: c.128C>G (NM_001540.3); short protein forms S43W.
Identifiers: ClinVar variation 1507511 (VCV001507511.9), dbSNP rs950234286, ClinGen allele CA367762959.
Genomic context (GRCh38, chr7:76,302,840, plus strand): 5'-ACCCGCATAGCCGCCTCTTCGACCAGGCCTTCGGGCTGCCCCGGCTGCCGGAGGAGTGGT[C>G]GCAGTGGTTAGGCGGCAGCAGCTGGCCAGGCTACGTGCGCCCCCTGCCCCCCGCCGCCAT-3'
Protein context (NP_001531.1, residues 33-53): FGLPRLPEEW[Ser43Trp]QWLGGSSWPG